The following is an entry in ClinVar:

ClinVar aggregate classification (germline): Likely benign. Review status: criteria provided, multiple submitters, no conflicts (2 of 4 stars). 3 submissions from 3 submitters: Likely benign (3). Last evaluated 2026-07-13.

Conditions:
SNRNP200-related disorder. Also called: SNRNP200-related condition.

Allele frequency attached by ClinVar (database versions not stated): ExAC 0.00001; gnomAD 0.00001; TOPMed 0.00002; gnomAD exomes 0.00003; ESP Exome Variant Server 0.00008.

Submissions (3):

PreventionGenetics, part of Exact Sciences
Classification: Likely benign for SNRNP200-related condition. Last evaluated: 2026-07-13. Review status: criteria provided, single submitter. Criteria: ACMG Guidelines, 2015. Collection method: clinical testing. Allele origin: germline.
Comment: This variant is classified as likely benign based on ACMG/AMP sequence variant interpretation guidelines (Richards et al. 2015 PMID: 25741868, with internal and published modifications).

Blueprint Genetics
Classification: Likely benign. Last evaluated: 2024-09-11. Review status: criteria provided, single submitter. Criteria: ACMG Guidelines, 2015. Collection method: clinical testing. Allele origin: germline.

Labcorp Genetics (formerly Invitae), Labcorp
Classification: Likely benign. Last evaluated: 2022-05-16. Review status: criteria provided, single submitter. Criteria: Invitae Variant Classification Sherloc (09022015). Collection method: clinical testing. Allele origin: germline.

NM_014014.5(SNRNP200):c.4585-5G>A

Gene: SNRNP200 (small nuclear ribonucleoprotein U5 subunit 200; minus strand). Cytogenetic location: 2q11.2.
Variant type: single nucleotide variant.
Coding change: c.4585-5G>A on transcript NM_014014.5 (MANE Select); 5 bases into the intron before coding-DNA position 4585, G replaced by A.
Molecular consequence: intron variant.
Genome position (GRCh38, 1-based): chr2:96,283,718, C>T on the plus strand (G>A on the coding strand, the complement: SNRNP200 is on the minus strand). VCF-style: chr2-96283718-C-T. GRCh37 (hg19) VCF-style: chr2-96949456-C-T.
Other names: c.4585-5G>A (NM_014014.4).
Identifiers: ClinVar variation 2070309 (VCV002070309.6), dbSNP rs373795398, ClinGen allele CA1778169.
Genomic context (GRCh38, chr2:96,283,718, plus strand): 5'-TACACAGGCTTGGCCATGGAGAGCAGGCGGGTTTGTGTATGGCTGATGTTGAAGCCCTGG[C>T]GACCGGGGAGAAGAAAAGACACCAAGGTTATCAGACCTGGGTCACTCAGGATCTATGTGA-3'